The following is an entry in ClinVar:

NM_001904.4(CTNNB1):c.568C>T (p.Arg190Cys)

Genes: CTNNB1 (catenin beta 1; plus strand), LOC126806658 (BRD4-independent group 4 enhancer GRCh37_chr3:41265899-41267098; plus strand). Cytogenetic location: 3p22.1.
Variant type: single nucleotide variant.
Coding change: c.568C>T on transcript NM_001904.4 (MANE Select); coding-DNA position 568, C replaced by T.
Protein change: p.Arg190Cys; replaces arginine 190 with cysteine.
Molecular consequence: missense variant.
Genome position (GRCh38, 1-based): chr3:41,225,406, C>T. VCF-style: chr3-41225406-C-T. GRCh37 (hg19) VCF-style: chr3-41266897-C-T.
Other names: c.568C>T, p.Arg190Cys (NM_001098209.2, NM_001098210.2); c.547C>T, p.Arg183Cys (NM_001330729.2); short protein forms R190C, R183C.
Identifiers: ClinVar variation 1345493 (VCV001345493.8), dbSNP rs2078152341, ClinGen allele CA352229599.

ClinVar aggregate classification (germline): Uncertain significance (1 of 4 stars; one submission).

Allele frequency attached by ClinVar (database versions not stated): TOPMed below 0.00001; gnomAD exomes 0.00001.
gnomAD v4.1: 10 of 1,613,910 alleles (0.00062%); highest among the groups gnomAD compares: Non-Finnish European, 0.00085%; no homozygotes.

Submission:

Labcorp Genetics (formerly Invitae), Labcorp
Classification: Uncertain significance. Last evaluated: 2021-02-20. Review status: criteria provided, single submitter. Criteria: Invitae Variant Classification Sherloc (09022015). Collection method: clinical testing. Allele origin: germline.
Comment: In summary, the available evidence is currently insufficient to determine the role of this variant in disease. Therefore, it has been classified as a Variant of Uncertain Significance. Algorithms developed to predict the effect of missense changes on protein structure and function (SIFT, PolyPhen-2, Align-GVGD) all suggest that this variant is likely to be tolerated, but these predictions have not been confirmed by published functional studies and their clinical significance is uncertain. This variant has not been reported in the literature in individuals with CTNNB1-related conditions. This variant is not present in population databases (ExAC no frequency). This sequence change replaces arginine with cysteine at codon 190 of the CTNNB1 protein (p.Arg190Cys). The arginine residue is moderately conserved and there is a large physicochemical difference between arginine and cysteine.